The following is an entry in ClinVar:

NM_004447.6(EPS8):c.2027A>G (p.Lys676Arg)

Gene: EPS8 (EGFR pathway substrate 8, signaling adaptor; minus strand). Cytogenetic location: 12p12.3.
Variant type: single nucleotide variant.
Coding change: c.2027A>G on transcript NM_004447.6 (MANE Select); coding-DNA position 2027, A replaced by G.
Protein change: p.Lys676Arg; replaces lysine 676 with arginine.
Molecular consequence: missense variant.
Genome position (GRCh38, 1-based): chr12:15,631,459, T>C on the plus strand (A>G on the coding strand, the complement: EPS8 is on the minus strand). VCF-style: chr12-15631459-T-C. GRCh37 (hg19) VCF-style: chr12-15784393-T-C.
Other names: short protein forms K676R.
Identifiers: ClinVar variation 1523311 (VCV001523311.6), dbSNP rs768402606, ClinGen allele CA6467383.

ClinVar aggregate classification (germline): Uncertain significance (1 of 4 stars; one submission).

Allele frequency attached by ClinVar (database versions not stated): TOPMed below 0.00001; ExAC 0.00001; gnomAD exomes 0.00001.
gnomAD v4.1: 12 of 1,614,114 alleles (0.00074%); highest among the groups gnomAD compares: East Asian, 0.0022%; no homozygotes.

Submission:

Labcorp Genetics (formerly Invitae), Labcorp
Classification: Uncertain significance. Last evaluated: 2021-04-05. Review status: criteria provided, single submitter. Criteria: Invitae Variant Classification Sherloc (09022015). Collection method: clinical testing. Allele origin: germline.
Comment: This variant is present in population databases (rs768402606, ExAC 0.001%). In summary, the available evidence is currently insufficient to determine the role of this variant in disease. Therefore, it has been classified as a Variant of Uncertain Significance. Algorithms developed to predict the effect of missense changes on protein structure and function are either unavailable or do not agree on the potential impact of this missense change (SIFT: "Not Available"; PolyPhen-2: "Benign"; Align-GVGD: "Not Available"). This variant has not been reported in the literature in individuals with EPS8-related conditions. This sequence change replaces lysine with arginine at codon 676 of the EPS8 protein (p.Lys676Arg). The lysine residue is moderately conserved and there is a small physicochemical difference between lysine and arginine.